The following is an entry in ClinVar:

NM_014334.4(FRRS1L):c.713C>G (p.Ser238Cys)

Gene: FRRS1L (ferric chelate reductase 1 like; minus strand). Cytogenetic location: 9q31.3.
Variant type: single nucleotide variant.
Coding change: c.713C>G on transcript NM_014334.4 (MANE Select); coding-DNA position 713, C replaced by G.
Protein change: p.Ser238Cys; replaces serine 238 with cysteine.
Molecular consequence: missense variant.
Genome position (GRCh38, 1-based): chr9:109,137,624, G>C on the plus strand (C>G on the coding strand, the complement: FRRS1L is on the minus strand). VCF-style: chr9-109137624-G-C. GRCh37 (hg19) VCF-style: chr9-111899904-G-C.
Other names: short protein forms S238C.
Identifiers: ClinVar variation 1510782 (VCV001510782.6), dbSNP rs2118459558, ClinGen allele CA374423373.

ClinVar aggregate classification (germline): Uncertain significance (1 of 4 stars; one submission).

Conditions:
Developmental and epileptic encephalopathy, 37 (DEE37). Also called: Epileptic encephalopathy, early infantile, 37. Identifiers: MedGen C4310770, MONDO:0014859, OMIM 616981.

gnomAD v4.1: 1 of 1,551,126 alleles (0.000064%); highest among the groups gnomAD compares: South Asian, 0.0012%; no homozygotes.

Submission:

Labcorp Genetics (formerly Invitae), Labcorp
Classification: Uncertain significance for Developmental and epileptic encephalopathy, 37. Last evaluated: 2023-06-19. Review status: criteria provided, single submitter. Criteria: Invitae Variant Classification Sherloc (09022015). Collection method: clinical testing. Allele origin: germline.
Comment: In summary, the available evidence is currently insufficient to determine the role of this variant in disease. Therefore, it has been classified as a Variant of Uncertain Significance. An algorithm developed to predict the effect of missense changes on protein structure and function (PolyPhen-2) suggests that this variant is likely to be disruptive. ClinVar contains an entry for this variant (Variation ID: 1510782). This variant has not been reported in the literature in individuals affected with FRRS1L-related conditions. This variant is not present in population databases (gnomAD no frequency). This sequence change replaces serine, which is neutral and polar, with cysteine, which is neutral and slightly polar, at codon 289 of the FRRS1L protein (p.Ser289Cys).